The following is an entry in ClinVar:

NM_182916.3(TRNT1):c.512dup (p.Asn171fs)

Gene: TRNT1 (tRNA nucleotidyl transferase 1; plus strand). Cytogenetic location: 3p26.2.
Variant type: Duplication.
Coding change: c.512dup on transcript NM_182916.3 (MANE Select); coding-DNA position 512, one base duplicated (A; older notation c.512dupA).
Protein change: p.Asn171fs; shifts the reading frame from asparagine 171.
Molecular consequence: frameshift variant. On other transcripts: non-coding transcript variant (8).
Genome position (GRCh38, 1-based): chr3:3,144,614, A duplicated; the last of 2 consecutive A bases (chr3:3,144,613-3,144,614); duplicating either gives the same sequence. VCF-style (leftmost placement, unchanged base first): chr3-3144612-T-TA. GRCh37 (hg19) VCF-style: chr3-3186296-T-TA.
Other names: c.512dup, p.Asn171fs (NM_001302946.2, NM_001367321.1, NM_001367322.1 and 1 more transcripts); short protein forms N171fs.
Identifiers: ClinVar variation 2026321 (VCV002026321.4), dbSNP rs2471328355, ClinGen allele CA2580069139.

ClinVar aggregate classification (germline): Pathogenic (1 of 4 stars; one submission).

Conditions:
Congenital sideroblastic anemia-B-cell immunodeficiency-periodic fever-developmental delay syndrome. Also called: Sideroblastic anemia with B-cell immunodeficiency, periodic fevers, and developmental delay. Identifiers: Orphanet 369861, MedGen C4015172, MONDO:0014487, OMIM 616084.

Submission:

Labcorp Genetics (formerly Invitae), Labcorp
Classification: Pathogenic for Congenital sideroblastic anemia-B-cell immunodeficiency-periodic fever-developmental delay syndrome. Last evaluated: 2022-08-22. Review status: criteria provided, single submitter. Criteria: Invitae Variant Classification Sherloc (09022015). Collection method: clinical testing. Allele origin: germline.
Comment: For these reasons, this variant has been classified as Pathogenic. This variant has not been reported in the literature in individuals affected with TRNT1-related conditions. This variant is not present in population databases (gnomAD no frequency). This sequence change creates a premature translational stop signal (p.Asn171Lysfs*4) in the TRNT1 gene. It is expected to result in an absent or disrupted protein product. Loss-of-function variants in TRNT1 are known to be pathogenic (PMID: 25193871).

Literature cited by the submitters: PubMed 25193871.